The following is an entry in ClinVar:

ClinVar aggregate classification (germline): Uncertain significance (1 of 4 stars; one submission).

Conditions:
ITSN1-related disorder. Also called: ITSN1-related condition.

Submission:

PreventionGenetics, part of Exact Sciences
Classification: Uncertain significance for ITSN1-related condition. Last evaluated: 2026-04-16. Review status: criteria provided, single submitter. Criteria: ACMG Guidelines, 2015. Collection method: clinical testing. Allele origin: germline.
Comment: The ITSN1 c.4066T>C variant is predicted to result in the amino acid substitution p.Phe1356Leu. To our knowledge, this variant has not been reported in the literature or in a large population database (gnomAD). At this time, the clinical significance of this variant is uncertain due to the absence of conclusive functional and genetic evidence.

NM_003024.3(ITSN1):c.4066T>C (p.Phe1356Leu)

Gene: ITSN1 (intersectin 1; plus strand). Cytogenetic location: 21q22.11.
Variant type: single nucleotide variant.
Coding change: c.4066T>C on transcript NM_003024.3 (MANE Select); coding-DNA position 4066, T replaced by C.
Protein change: p.Phe1356Leu; replaces phenylalanine 1356 with leucine.
Molecular consequence: missense variant.
Genome position (GRCh38, 1-based): chr21:33,865,326, T>C. VCF-style: chr21-33865326-T-C. GRCh37 (hg19) VCF-style: chr21-35237630-T-C.
Other names: c.4051T>C, p.Phe1351Leu (NM_001331010.2); short protein forms F1351L, F1356L.
Identifiers: ClinVar variation 4992205 (VCV004992205.1).